The following is an entry in ClinVar:

NM_001199267.2(DGKZ):c.162-932C>G

Gene: DGKZ (diacylglycerol kinase zeta; plus strand). Cytogenetic location: 11p11.2.
Variant type: single nucleotide variant.
Coding change: c.162-932C>G on transcript NM_001199267.2 (MANE Select); 932 bases into the intron before coding-DNA position 162, C replaced by G.
Molecular consequence: intron variant. On other transcripts: missense variant (1).
Genome position (GRCh38, 1-based): chr11:46,366,359, C>G. VCF-style: chr11-46366359-C-G. GRCh37 (hg19) VCF-style: chr11-46387909-C-G.
Other names: c.103C>G, p.Arg35Gly (NM_001105540.2); c.213-932C>G (NM_201532.3); c.177-932C>G (NM_201533.3); c.162-932C>G (NM_001199266.2, NM_003646.4, NM_001199268.2); c.103C>G (NM_001105540.1); short protein forms R35G.
Identifiers: ClinVar variation 2722042 (VCV002722042.4), dbSNP rs369668814, ClinGen allele CA5962069.

ClinVar aggregate classification (germline): Uncertain significance. Review status: criteria provided, multiple submitters, no conflicts (2 of 4 stars). 2 submissions from 2 submitters: Uncertain significance (2). Last evaluated 2024-02-21.

Allele frequency attached by ClinVar (database versions not stated): 1000 Genomes Project 30x 0.00016; 1000 Genomes Project 0.00020.
gnomAD v4.1: 11 of 1,528,462 alleles (0.00072%); highest among the groups gnomAD compares: Admixed American, 0.018%; no homozygotes.

Submissions (2):

Ambry Genetics
Classification: Uncertain significance. Last evaluated: 2024-02-21. Review status: criteria provided, single submitter. Criteria: Ambry Variant Classification Scheme 2023. Collection method: clinical testing. Allele origin: germline.

Labcorp Genetics (formerly Invitae), Labcorp
Classification: Uncertain significance. Last evaluated: 2023-08-09. Review status: criteria provided, single submitter. Criteria: Invitae Variant Classification Sherloc (09022015). Collection method: clinical testing. Allele origin: germline.
Comment: An algorithm developed to predict the effect of missense changes on protein structure and function (PolyPhen-2) suggests that this variant is likely to be disruptive. This sequence change replaces arginine, which is basic and polar, with glycine, which is neutral and non-polar, at codon 35 of the DGKZ protein (p.Arg35Gly). The frequency data for this variant in the population databases is considered unreliable, as metrics indicate poor data quality at this position in the gnomAD database. This variant has not been reported in the literature in individuals affected with DGKZ-related conditions. In summary, the available evidence is currently insufficient to determine the role of this variant in disease. Therefore, it has been classified as a Variant of Uncertain Significance.